The following is an entry in ClinVar:

ClinVar aggregate classification (germline): Uncertain significance (1 of 4 stars; one submission).

Conditions:
Malignant hyperthermia, susceptibility to, 1 (MHS1). Also called: RYR1-Related Malignant Hyperthermia Susceptibility; Anesthesia related hyperthermia; Malignant hyperpyrexia; Fulminating hyperpyrexia; Pharmacogenic myopathy; Malignant hyperthermia suceptibility 1. Identifiers: Orphanet 423, MedGen C2930980, MONDO:0007783, OMIM 145600.

Submission:

All of Us Research Program, National Institutes of Health
Classification: Uncertain significance for Malignant hyperthermia, susceptibility to, 1. Last evaluated: 2023-03-23. Review status: criteria provided, single submitter. Criteria: ACMG Guidelines, 2015. Collection method: clinical testing. Allele origin: germline. Inheritance: Autosomal dominant inheritance. Observed: 1 variant allele, 1 heterozygote.
Comment: This missense variant replaces glutamic acid with glutamine at codon 2004 of the RYR1 protein. Computational prediction suggests that this variant may not impact protein structure and function (internally defined REVEL score threshold <= 0.5, PMID: 27666373). To our knowledge, functional studies have not been reported for this variant. This variant has not been reported in individuals affected with RYR1-related disorders in the literature. This variant has not been identified in the general population by the Genome Aggregation Database (gnomAD). The available evidence is insufficient to determine the role of this variant in disease conclusively. Therefore, this variant is classified as a Variant of Uncertain Significance.

This study involves interpretation of variants in research participants for the purpose of population health screening. Participant phenotype was not available at the time of variant classification. Additional details can be found in publication PMID: 35346344, PMCID: PMC8962531

NM_000540.3(RYR1):c.6010G>C (p.Glu2004Gln)

Gene: RYR1 (ryanodine receptor 1; plus strand). Cytogenetic location: 19q13.2.
Variant type: single nucleotide variant.
Coding change: c.6010G>C on transcript NM_000540.3 (MANE Select); coding-DNA position 6010, G replaced by C.
Protein change: p.Glu2004Gln; replaces glutamic acid 2004 with glutamine.
Molecular consequence: missense variant.
Genome position (GRCh38, 1-based): chr19:38,490,271, G>C. VCF-style: chr19-38490271-G-C. GRCh37 (hg19) VCF-style: chr19-38980911-G-C.
Other names: c.6010G>C, p.Glu2004Gln (NM_001042723.2); short protein forms E2004Q.
Identifiers: ClinVar variation 3069923 (VCV003069923.1), dbSNP rs2514252919, ClinGen allele CA405660674.